The following is an entry in ClinVar:

ClinVar aggregate classification (germline): Pathogenic (1 of 4 stars; one submission).

Conditions:
3-methylcrotonyl-CoA carboxylase 1 deficiency (MCC1D). Also called: MCCD TYPE 1; METHYLCROTONYLGLYCINURIA TYPE I; MCC 1 deficiency; 3 Alpha methylcrotonylglycinuria 1. Identifiers: Orphanet 6, MedGen CN028786, MONDO:0008861, OMIM 210200.

Submission:

Labcorp Genetics (formerly Invitae), Labcorp
Classification: Pathogenic for 3-methylcrotonyl-CoA carboxylase 1 deficiency. Last evaluated: 2023-05-19. Review status: criteria provided, single submitter. Criteria: Invitae Variant Classification Sherloc (09022015). Collection method: clinical testing. Allele origin: germline.
Comment: This sequence change creates a premature translational stop signal (p.His380Profs*6) in the MCCC1 gene. It is expected to result in an absent or disrupted protein product. Loss-of-function variants in MCCC1 are known to be pathogenic (PMID: 11181649, 15359379, 22642865). This variant is not present in population databases (gnomAD no frequency). This variant has not been reported in the literature in individuals affected with MCCC1-related conditions. For these reasons, this variant has been classified as Pathogenic.

Literature cited by the submitters: PubMed 11181649; PubMed 15359379; PubMed 22642865.

NM_020166.5(MCCC1):c.1133dup (p.His380fs)

Gene: MCCC1 (methylcrotonyl-CoA carboxylase subunit 1; minus strand). Cytogenetic location: 3q27.1.
Variant type: Duplication.
Coding change: c.1133dup on transcript NM_020166.5 (MANE Select); coding-DNA position 1133, one base duplicated (A; older notation c.1133dupA).
Protein change: p.His380fs; shifts the reading frame from histidine 380.
Molecular consequence: frameshift variant. On other transcripts: non-coding transcript variant (2).
Genome position (GRCh38, 1-based): chr3:183,041,701, T duplicated on the plus strand (A on the coding strand, the reverse complement: MCCC1 is on the minus strand). VCF-style (leftmost placement, unchanged base first): chr3-183041700-C-CT. GRCh37 (hg19) VCF-style: chr3-182759488-C-CT.
Other names: c.782dup, p.His263fs (NM_001293273.2); c.806dup, p.His271fs (NM_001363880.1); short protein forms H380fs, H271fs, H263fs.
Identifiers: ClinVar variation 2865652 (VCV002865652.3), dbSNP rs2530166738, ClinGen allele CA2739279936.